The following is an entry in ClinVar:

NM_005458.8(GABBR2):c.2561T>G (p.Leu854Ter)

Gene: GABBR2 (gamma-aminobutyric acid type B receptor subunit 2; minus strand). Cytogenetic location: 9q22.33.
Variant type: single nucleotide variant.
Coding change: c.2561T>G on transcript NM_005458.8 (MANE Select); coding-DNA position 2561, T replaced by G.
Protein change: p.Leu854Ter; replaces leucine 854 with a stop codon.
Molecular consequence: nonsense.
Genome position (GRCh38, 1-based): chr9:98,293,884, A>C on the plus strand (T>G on the coding strand, the complement: GABBR2 is on the minus strand). VCF-style: chr9-98293884-A-C. GRCh37 (hg19) VCF-style: chr9-101056166-A-C.
Other names: short protein forms L854*.
Identifiers: ClinVar variation 2289446 (VCV002289446.2), dbSNP rs2491175326, ClinGen allele CA374210192.

ClinVar aggregate classification (germline): Uncertain significance (1 of 4 stars; one submission).

Conditions:
Inborn genetic diseases. Identifiers: MedGen C0950123, MeSH D030342.

Submission:

Ambry Genetics
Classification: Uncertain significance for Inborn genetic diseases. Last evaluated: 2022-06-23. Review status: criteria provided, single submitter. Criteria: Ambry Variant Classification Scheme 2023. Collection method: clinical testing. Allele origin: germline.
Comment: Loss of function has not been clearly established as a mechanism of disease Based on insufficient or conflicting evidence, the clinical significance of this alteration remains unclear.